The following is an entry in ClinVar:

NM_000358.3(TGFBI):c.1406G>A (p.Arg469His)

Gene: TGFBI (transforming growth factor beta induced; plus strand). Cytogenetic location: 5q31.1.
Variant type: single nucleotide variant.
Coding change: c.1406G>A on transcript NM_000358.3 (MANE Select); coding-DNA position 1406, G replaced by A.
Protein change: p.Arg469His; replaces arginine 469 with histidine.
Molecular consequence: missense variant.
Genome position (GRCh38, 1-based): chr5:136,054,857, G>A. VCF-style: chr5-136054857-G-A. GRCh37 (hg19) VCF-style: chr5-135390546-G-A.
Other names: short protein forms R469H.
Identifiers: ClinVar variation 1175370 (VCV001175370.3), dbSNP rs376761086, ClinGen allele CA3420361.

ClinVar aggregate classification (germline): Benign. Review status: criteria provided, single submitter (1 of 4 stars). 2 submissions from 2 submitters: Benign (1). 1 of the submissions does not count toward it. Last evaluated 2025-12-25.

Conditions:
Granular corneal dystrophy. Identifiers: MedGen C0018179, MONDO:0001490, HP:0007802.

Allele frequency attached by ClinVar (database versions not stated): gnomAD 0.00002 and 0.00015; TOPMed 0.00003; ESP Exome Variant Server 0.00017; gnomAD exomes 0.00024 and 0.00041; ExAC 0.00049; 1000 Genomes Project 30x 0.00172; 1000 Genomes Project 0.00180.
gnomAD v4.1: 367 of 1,613,606 alleles (0.023%); highest among the groups gnomAD compares: South Asian, 0.3%; 3 homozygotes.

Submissions (2):

Labcorp Genetics (formerly Invitae), Labcorp
Classification: Benign. Last evaluated: 2025-12-25. Review status: criteria provided, single submitter. Criteria: Invitae Variant Classification Sherloc (09022015). Collection method: clinical testing. Allele origin: germline.

Refractive Surgery Department, Bright Eye Hospital
Classification: Likely pathogenic for Granular corneal dystrophy. Review status: no assertion criteria provided. Collection method: case-control. Allele origin: unknown. Inheritance: Autosomal dominant inheritance. Affected: yes. Observed: 3 variant alleles, 3 heterozygotes. Not counted in ClinVar's aggregate classification.
Comment: The novel variant c.1406G>A (rs759370852) in TGFBI was identified in KC subjects from a two-generation Chinese family. The novel SNP expands the mutation spectrum of TGFBI, and contributes to the study of molecular pathogenesis of KC.